The following is an entry in ClinVar:

ClinVar aggregate classification (germline): Uncertain significance. Review status: criteria provided, multiple submitters, no conflicts (2 of 4 stars). 3 submissions from 3 submitters: Uncertain significance (3). Last evaluated 2023-12-28.

Conditions:
Neuropathy, hereditary sensory and autonomic, type 2A (HSAN2A). Also called: ACROOSTEOLYSIS, GIACCAI TYPE; ACROOSTEOLYSIS, NEUROGENIC; HSAN IIA; WNK1-Related HSAN2 (HSAN2A); MORVAN DISEASE; NEUROPATHY, CONGENITAL SENSORY. Identifiers: Orphanet 970, MedGen C2752089, MONDO:0024309, OMIM 201300.
Pseudohypoaldosteronism type 2C (PHA2C). Also called: Pseudohypoaldosteronism Type IIC. Identifiers: Orphanet 757, Orphanet 88940, MedGen C1840391, MONDO:0013778, OMIM 614492.

Allele frequency attached by ClinVar (database versions not stated): gnomAD exomes below 0.00001; TOPMed 0.00001; gnomAD 0.00002.
gnomAD v4.1: 10 of 1,613,926 alleles (0.00062%); highest among the groups gnomAD compares: Non-Finnish European, 0.00085%; no homozygotes.

Submissions (3):

Labcorp Genetics (formerly Invitae), Labcorp
Classification: Uncertain significance for Neuropathy, hereditary sensory and autonomic, type 2A; Pseudohypoaldosteronism type 2C. Last evaluated: 2023-12-28. Review status: criteria provided, single submitter. Criteria: Invitae Variant Classification Sherloc (09022015). Collection method: clinical testing. Allele origin: germline.
Comment: This sequence change replaces phenylalanine, which is neutral and non-polar, with leucine, which is neutral and non-polar, at codon 2233 of the WNK1 protein (p.Phe2233Leu). This variant is present in population databases (rs72650765, gnomAD 0.0009%). This variant has not been reported in the literature in individuals affected with WNK1-related conditions. ClinVar contains an entry for this variant (Variation ID: 306613). Advanced modeling of protein sequence and biophysical properties (such as structural, functional, and spatial information, amino acid conservation, physicochemical variation, residue mobility, and thermodynamic stability) performed at Invitae indicates that this missense variant is not expected to disrupt WNK1 protein function with a negative predictive value of 95%. In summary, the available evidence is currently insufficient to determine the role of this variant in disease. Therefore, it has been classified as a Variant of Uncertain Significance.

GeneDx
Classification: Uncertain significance. Last evaluated: 2022-09-13. Review status: criteria provided, single submitter. Criteria: GeneDx Variant Classification Process June 2021. Collection method: clinical testing. Allele origin: germline. Affected: yes.
Comment: Not observed at significant frequency in large population cohorts (gnomAD); In silico analysis supports that this missense variant does not alter protein structure/function; Has not been previously published as pathogenic or benign to our knowledge

Illumina Laboratory Services, Illumina
Classification: Uncertain significance for Pseudohypoaldosteronism type 2C. Last evaluated: 2018-01-12. Review status: criteria provided, single submitter. Criteria: ICSL Variant Classification Criteria 13 December 2019. Collection method: clinical testing. Allele origin: germline.

NM_018979.4(WNK1):c.5943T>G (p.Phe1981Leu)

Gene: WNK1 (WNK lysine deficient protein kinase 1; plus strand). Cytogenetic location: 12p13.33.
Variant type: single nucleotide variant.
Coding change: c.5943T>G on transcript NM_018979.4 (MANE Select); coding-DNA position 5943, T replaced by G.
Protein change: p.Phe1981Leu; replaces phenylalanine 1981 with leucine.
Molecular consequence: missense variant.
Genome position (GRCh38, 1-based): chr12:896,430, T>G. VCF-style: chr12-896430-T-G. GRCh37 (hg19) VCF-style: chr12-1005596-T-G.
Other names: c.6723T>G, p.Phe2241Leu (NM_001184985.2); c.5199T>G, p.Phe1733Leu (NM_014823.3); c.6699T>G, p.Phe2233Leu (NM_213655.5); short protein forms F2233L, F1981L, F2241L, F1733L.
Identifiers: ClinVar variation 306613 (VCV000306613.15), dbSNP rs72650765, ClinGen allele CA10633667.
Genomic context (GRCh38, chr12:896,430, plus strand): 5'-AAAAACTGAGGACAAGATCACTGACACAAAGAAAGAAGGACCAGTGGCATCTCCTCCTTT[T>G]ATGGATTTGGAACAAGCTGTTCTTCCTGCTGTGATACCAAAGAAAGAGAAGCCTGAACTG-3'
Protein context (NP_061852.3, residues 1971-1991): KKEGPVASPP[Phe1981Leu]MDLEQAVLPA